The following is an entry in ClinVar:

ClinVar aggregate classification (germline): Conflicting classifications of pathogenicity. Review status: criteria provided, conflicting classifications (1 of 4 stars). 2 submissions from 2 submitters: Uncertain significance (1); Likely benign (1). Last evaluated 2018-10-10.

Allele frequency attached by ClinVar (database versions not stated): gnomAD exomes below 0.00001.
gnomAD v4.1: 1 of 1,146,236 alleles (0.000087%); highest among the groups gnomAD compares: Non-Finnish European, 0.00012%; no homozygotes.

Submissions (2):

Athena Diagnostics
Classification: Uncertain significance. Last evaluated: 2018-10-10. Review status: criteria provided, single submitter. Criteria: Athena Diagnostics Criteria. Collection method: clinical testing. Allele origin: germline.

GeneDx
Classification: Likely benign. Last evaluated: 2018-03-23. Review status: criteria provided, single submitter. Criteria: GeneDx Variant Classification (06012015). Collection method: clinical testing. Allele origin: germline. Affected: yes.
Comment: This variant is considered likely benign or benign based on one or more of the following criteria: it is a conservative change, it occurs at a poorly conserved position in the protein, it is predicted to be benign by multiple in silico algorithms, and/or has population frequency not consistent with disease.

NM_001079872.2(CUL4B):c.1257-5T>C

Gene: CUL4B (cullin 4B; minus strand). Cytogenetic location: Xq24.
Variant type: single nucleotide variant.
Coding change: c.1257-5T>C on transcript NM_001079872.2 (MANE Select); 5 bases into the intron before coding-DNA position 1257, T replaced by C.
Molecular consequence: intron variant.
Genome position (GRCh38, 1-based): chrX:120,543,038, A>G on the plus strand (T>C on the coding strand, the complement: CUL4B is on the minus strand). VCF-style: chrX-120543038-A-G. GRCh37 (hg19) VCF-style: chrX-119676893-A-G.
Other names: c.1311-5T>C (NM_003588.4); c.1272-5T>C (NM_001330624.2); c.723-5T>C (NM_001369145.1).
Identifiers: ClinVar variation 585734 (VCV000585734.4), dbSNP rs1569390976, ClinGen allele CA891843766.